The following is an entry in ClinVar:

NM_004119.3(FLT3):c.1752del (p.Ser585fs)

Gene: FLT3 (fms related receptor tyrosine kinase 3; minus strand). Cytogenetic location: 13q12.2.
Variant type: Deletion.
Coding change: c.1752del on transcript NM_004119.3 (MANE Select); coding-DNA position 1752, one base deleted (C; older notation c.1752delC).
Protein change: p.Ser585fs; shifts the reading frame from serine 585.
Molecular consequence: frameshift variant. On other transcripts: non-coding transcript variant (1).
Genome position (GRCh38, 1-based): chr13:28,034,167, G deleted on the plus strand (C on the coding strand, the reverse complement: FLT3 is on the minus strand); the first of 2 consecutive G bases (chr13:28,034,167-28,034,168); deleting either gives the same sequence. VCF-style (leftmost placement, unchanged base first): chr13-28034166-AG-A. GRCh37 (hg19) VCF-style: chr13-28608303-AG-A.
Other names: c.1751delC (NM_004119.3); short protein forms S585fs.
Identifiers: ClinVar variation 4073537 (VCV004073537.1).

ClinVar aggregate classification (oncogenicity): Oncogenic (0 of 4 stars; one submission).

Conditions:
Acute myeloid leukemia (AML). Also called: Acute myeloid leukemia, adult; AML adult; Acute non-lymphocytic leukemia; Acute granulocytic leukemia; Leukemia, acute myeloid, somatic; Leukemia, acute myelogenous, somatic. Identifiers: Orphanet 519, MedGen C0023467, MeSH D015470, MONDO:0018874, OMIM 601626, HP:0004808. Disease mechanism: Constitutively activated FLT3.

Submission:

Department of Pathology, Institute of Nuclear Medicine and Oncology
Classification: Oncogenic for Acute myeloid leukemia. Last evaluated: 2024-06-24. Review status: no assertion criteria provided. Collection method: research. Allele origin: somatic. Affected: yes.
Comment: Gene: FLT3, Transcript: NM_004119.3, cDNA Change: c.1751delC, Protein Change: p.Pro584Leufs*15 (predicted), Mutation Type: Frameshift deletion, leading to premature truncation, Genomic Location (GRCh38): 28,034,170. Evidence: Located near juxtamembrane domain (JMD) of FLT3 (exon 14). FLT3 c.1751delC (p.Pro584Leufs*15) is a frameshift mutation located near the juxtamembrane domain, a region commonly affected by activating FLT3-ITD mutations. While this variant is not a typical ITD or TKD hotspot mutation, it may impair FLT3’s autoinhibitory function. Classified as likely oncogenic and somatic mutations resulting in AML remains uncertain without further evidence. Evaluation for canonical FLT3 mutations and consideration of co-mutations is recommended. FLT3 inhibitor therapy is not currently indicated based on this finding alone. -FLT3-ITD mutations often occur in this region and disrupt the autoinhibitory function of JMD. -Although not a typical ITD, this frameshift may lead to loss of autoinhibition or misfolded protein. -Not a common hotspot mutation like ITD or TKD. -Requires clinical correlation and possibly functional validation.